The following is an entry in ClinVar:

ClinVar aggregate classification (germline): Conflicting classifications of pathogenicity. Review status: criteria provided, conflicting classifications (1 of 4 stars). 2 submissions from 2 submitters: Uncertain significance (1); Likely benign (1). Last evaluated 2023-03-23.

Conditions:
Hereditary cancer-predisposing syndrome. Also called: Neoplastic Syndromes, Hereditary; Tumor predisposition; Hereditary Cancer Syndrome; Hereditary neoplastic syndrome. Identifiers: Orphanet 140162, MedGen C0027672, MeSH D009386, MONDO:0015356.

Submissions (2):

University of Washington Department of Laboratory Medicine, University of Washington
Classification: Likely benign for Hereditary cancer-predisposing syndrome. Last evaluated: 2023-03-23. Review status: criteria provided, single submitter. Criteria: Dines et al. (Genet Med. 2020). Collection method: curation. Allele origin: germline.
Comment: Missense variant in a coldspot region where missense variants are very unlikely to be pathogenic (PMID:31911673).

BRCA1 coldspot (exon 11 using historical exon numbering). Reclassification based on statistical prior probability

Ambry Genetics
Classification: Uncertain significance for Hereditary cancer-predisposing syndrome. Last evaluated: 2015-09-14. Review status: criteria provided, single submitter. Criteria: Ambry Variant Classification Scheme 2023. Collection method: clinical testing. Allele origin: germline.
Comment: The p.K991N variant (also known as c.2973A>C), located in coding exon 9 of the BRCA1 gene, results from an A to C substitution at nucleotide position 2973. The lysine at codon 991 is replaced by asparagine, an amino acid with similar properties. This variant was not reported in population based cohorts in the following databases: Database of Single Nucleotide Polymorphisms (dbSNP), NHLBI Exome Sequencing Project (ESP), and 1000 Genomes Project. In the ESP, this variant was not observed in 6501 samples (13002 alleles) with coverage at this position. To date, this alteration has been detected with an allele frequency of approximately 0.001% (greater than 150000 alleles tested) in our clinical cohort. This amino acid position is not well conserved in available vertebrate species. In addition, this alteration is predicted to be tolerated by in silico analysis. Since supporting evidence is limited at this time, the clinical significance of p.K991N remains unclear.

NM_007294.4(BRCA1):c.2973A>C (p.Lys991Asn)

Gene: BRCA1 (BRCA1 DNA repair associated; minus strand). Cytogenetic location: 17q21.31.
Variant type: single nucleotide variant.
Coding change: c.2973A>C on transcript NM_007294.4 (MANE Select); coding-DNA position 2973, A replaced by C.
Protein change: p.Lys991Asn; replaces lysine 991 with asparagine.
Molecular consequence: missense variant. On other transcripts: intron variant (137).
Genome position (GRCh38, 1-based): chr17:43,092,558, T>G on the plus strand (A>C on the coding strand, the complement: BRCA1 is on the minus strand). VCF-style: chr17-43092558-T-G. GRCh37 (hg19) VCF-style: chr17-41244575-T-G.
Other names: c.647-1526A>C (NM_001408453.1, NM_001408461.1, NM_001408467.1 and 11 more transcripts); c.785-1526A>C (NM_001408397.1, NM_001408401.1, NM_001408396.1 and 13 more transcripts); c.665-1526A>C (NM_001408436.1, NM_001408444.1, NM_001408438.1 and 12 more transcripts); c.788-1526A>C (NM_001407980.1, NM_001407993.1, NM_001407976.1 and 17 more transcripts); c.653-1526A>C (NM_001408451.1); c.644-1526A>C (NM_001408464.1, NM_001408468.1, NM_001408465.1 and 3 more transcripts); c.524-1526A>C (NM_001408498.1, NM_001408501.1, NM_001408500.1 and 3 more transcripts); c.584-1526A>C (NM_001408475.1); and 41 more; short protein forms K991N, K944N, K863N, K880N, K903N, K924N, K950N, K695N.
Identifiers: ClinVar variation 233853 (VCV000233853.8), dbSNP rs876660683, ClinGen allele CA10580586.